The following is an entry in ClinVar:

ClinVar aggregate classification (germline): Uncertain significance (1 of 4 stars; one submission).

Conditions:
Peutz-Jeghers syndrome (PJS). Also called: POLYPOSIS, HAMARTOMATOUS INTESTINAL; POLYPS-AND-SPOTS SYNDROME; Peutz-Jeghers polyposis; Periorificial lentiginosis syndrome. Identifiers: Orphanet 2869, MedGen C0031269, MeSH D010580, MONDO:0008280, OMIM 175200.

Submission:

Labcorp Genetics (formerly Invitae), Labcorp
Classification: Uncertain significance for Peutz-Jeghers syndrome. Last evaluated: 2019-07-06. Review status: criteria provided, single submitter. Criteria: Invitae Variant Classification Sherloc (09022015). Collection method: clinical testing. Allele origin: germline.
Comment: In summary, the available evidence is currently insufficient to determine the role of this variant in disease. Therefore, it has been classified as a Variant of Uncertain Significance. This variant disrupts the p.Trp308 amino acid residue in STK11. Other variant(s) that disrupt this residue have been observed in individuals with STK11-related conditions (PMID: 9837816, 23415580, 24604241), suggesting that it is a clinically significant residue. As a result, variants that disrupt this residue are likely to be causative of disease. Algorithms developed to predict the effect of missense changes on protein structure and function (SIFT, PolyPhen-2, Align-GVGD) all suggest that this variant is likely to be disruptive, but these predictions have not been confirmed by published functional studies and their clinical significance is uncertain. This variant has not been reported in the literature in individuals with STK11-related conditions. This variant is not present in population databases (ExAC no frequency). This sequence change replaces tryptophan with arginine at codon 308 of the STK11 protein (p.Trp308Arg). The tryptophan residue is highly conserved and there is a moderate physicochemical difference between tryptophan and arginine.

Literature cited by the submitters: PubMed 9837816; PubMed 23415580; PubMed 24604241.

NM_000455.5(STK11):c.922T>C (p.Trp308Arg)

Gene: STK11 (serine/threonine kinase 11; plus strand). Cytogenetic location: 19p13.3.
Variant type: single nucleotide variant.
Coding change: c.922T>C on transcript NM_000455.5 (MANE Select); coding-DNA position 922, T replaced by C.
Protein change: p.Trp308Arg; replaces tryptophan 308 with arginine.
Molecular consequence: missense variant.
Genome position (GRCh38, 1-based): chr19:1,222,986, T>C. VCF-style: chr19-1222986-T-C. GRCh37 (hg19) VCF-style: chr19-1222985-T-C.
Other names: short protein forms W308R.
Identifiers: ClinVar variation 843663 (VCV000843663.9), dbSNP rs2080795639, ClinGen allele CA402951420.
Genomic context (GRCh38, chr19:1,222,986, plus strand): 5'-GAAAACTGGACCGCCCTGGTGCCAGCCTGACAGGCGCCACTGCTTCTGGGCGTTTGCAGC[T>C]GGTTCCGGAAGAAACATCCTCCGGCTGAAGCACCAGTGCCCATCCCACCGAGCCCAGACA-3'
Protein context (NP_000446.1, residues 298-318): FSIRQIRQHS[Trp308Arg]FRKKHPPAEA